The following is an entry in ClinVar:

ClinVar aggregate classification (germline): Pathogenic. Review status: criteria provided, multiple submitters, no conflicts (2 of 4 stars). 5 submissions from 5 submitters: Pathogenic (5). Last evaluated 2025-11-14.

Conditions:
Nephrotic syndrome, type 2 (NPHS2). Also called: NEPHROTIC SYNDROME, STEROID-RESISTANT, AUTOSOMAL RECESSIVE. Identifiers: Orphanet 656, MedGen C1868672, MONDO:0010974, OMIM 600995.

Submissions (5):

Variantyx, Inc.
Classification: Pathogenic for Nephrotic syndrome, type 2. Last evaluated: 2025-11-14. Review status: criteria provided, single submitter. Criteria: Variantyx Assertion Criteria 2022. Collection method: clinical testing. Allele origin: germline. Inheritance: Autosomal recessive inheritance. Affected: no.
Comment: This is a frameshift variant in the NPHS2 gene (OMIM: 604766). Pathogenic variants in this gene have been associated with autosomal recessive nephrotic syndrome type 2. This variant is expected to result in loss of function, which is a known disease mechanism for NPHS2 in this disorder (PMID: 24227627) (PVS1). It has been identified in the homozygous or compound heterozygous state in at least 2 individuals reported in the published literature (PMID: 11854170) (PM3). This variant has a 0.0035% maximum allele frequency in non-founder control populations (PM2). Based on the current evidence, this variant is classified as pathogenic for autosomal recessive nephrotic syndrome type 2.

Baylor Genetics
Classification: Pathogenic for Nephrotic syndrome, type 2. Last evaluated: 2024-03-25. Review status: criteria provided, single submitter. Criteria: ACMG Guidelines, 2015. Collection method: clinical testing. Allele origin: unknown.

Labcorp Genetics (formerly Invitae), Labcorp
Classification: Pathogenic. Last evaluated: 2023-12-14. Review status: criteria provided, single submitter. Criteria: Invitae Variant Classification Sherloc (09022015). Collection method: clinical testing. Allele origin: germline.
Comment: This sequence change creates a premature translational stop signal (p.Arg146Glufs*35) in the NPHS2 gene. It is expected to result in an absent or disrupted protein product. Loss-of-function variants in NPHS2 are known to be pathogenic (PMID: 10742096, 14701729, 15253708, 23595123). This variant is present in population databases (rs778201387, gnomAD 0.003%). This premature translational stop signal has been observed in individual(s) with NPHS2-related conditions (PMID: 11854170). ClinVar contains an entry for this variant (Variation ID: 942020). For these reasons, this variant has been classified as Pathogenic.

Genome-Nilou Lab
Classification: Pathogenic for Nephrotic syndrome, type 2. Last evaluated: 2023-04-11. Review status: criteria provided, single submitter. Criteria: ACMG Guidelines, 2015. Collection method: clinical testing. Allele origin: germline. Affected: no.

Fulgent Genetics
Classification: Pathogenic for Nephrotic syndrome, type 2. Last evaluated: 2021-12-23. Review status: criteria provided, single submitter. Criteria: ACMG Guidelines, 2015. Collection method: clinical testing. Allele origin: unknown.

Literature cited by the submitters: PubMed 11854170 (cited by Variantyx, Inc. and Labcorp Genetics (formerly Invitae), Labcorp); PubMed 24227627 (cited by Variantyx, Inc.); PubMed 10742096 (cited by Labcorp Genetics (formerly Invitae), Labcorp); PubMed 14701729 (cited by Labcorp Genetics (formerly Invitae), Labcorp); PubMed 15253708 (cited by Labcorp Genetics (formerly Invitae), Labcorp); PubMed 23595123 (cited by Labcorp Genetics (formerly Invitae), Labcorp).

NM_014625.4(NPHS2):c.436del (p.Arg146fs)

Gene: NPHS2 (NPHS2 stomatin family member, podocin; minus strand). Cytogenetic location: 1q25.2.
Variant type: Deletion.
Coding change: c.436del on transcript NM_014625.4 (MANE Select); coding-DNA position 436, one base deleted (A; older notation c.436delA).
Protein change: p.Arg146fs; shifts the reading frame from arginine 146.
Molecular consequence: frameshift variant.
Genome position (GRCh38, 1-based): chr1:179,561,304, T deleted on the plus strand (A on the coding strand, the reverse complement: NPHS2 is on the minus strand); the first of 2 consecutive T bases (chr1:179,561,304-179,561,305); deleting either gives the same sequence. VCF-style (leftmost placement, unchanged base first): chr1-179561303-CT-C. GRCh37 (hg19) VCF-style: chr1-179530438-CT-C.
Other names: c.436del, p.Arg146fs (NM_001297575.2); short protein forms R146fs.
Identifiers: ClinVar variation 942020 (VCV000942020.10), dbSNP rs778201387, ClinGen allele CA1267227.